The following is an entry in ClinVar:

NM_212482.4(FN1):c.2714-11_2714-10del

Gene: FN1 (fibronectin 1; minus strand). Cytogenetic location: 2q35.
Variant type: Deletion.
Coding change: c.2714-11_2714-10del on transcript NM_212482.4 (MANE Select); 11 bases into the intron before coding-DNA position 2714 through 10 bases into the intron before coding-DNA position 2714, 2 bases deleted (TT; older notation c.2714-11_2714-10delTT).
Molecular consequence: intron variant.
Genome position (GRCh38, 1-based): chr2:215,406,520-215,406,521, AA deleted on the plus strand (TT on the coding strand, the reverse complement: FN1 is on the minus strand). VCF-style (leftmost placement, unchanged base first): chr2-215406519-CAA-C. GRCh37 (hg19) VCF-style: chr2-216271242-CAA-C.
Other names: c.2714-11_2714-10del (NM_212474.3, NM_001306132.2, NM_001365523.2 and 13 more transcripts); c.2714-11_2714-10delTT (NM_212482.2).
Identifiers: ClinVar variation 1165709 (VCV001165709.13), dbSNP rs371418810, ClinGen allele CA2094890.
Genomic context (GRCh38, chr2:215,406,519, plus strand): 5'-TTCACGTCTGTCACTTCCACAAACTGCAGGTCCCTGGGAGAGGGCACTGTATCTGACAGA[CAA>C]GAGTCAACTGGTCATTCACATTCTCTGCTGAAGATTACTTTTAAGAAGCCAGTTTCTTGG-3'

ClinVar aggregate classification (germline): Benign/Likely benign. Review status: criteria provided, multiple submitters, no conflicts (2 of 4 stars). 4 submissions from 4 submitters: Benign (1); Likely benign (2). 1 of the submissions does not count toward it. Last evaluated 2026-01-12.

Conditions:
Glomerulopathy with fibronectin deposits 2 (GFND2). Identifiers: Orphanet 84090, MedGen C1866075, MONDO:0011165, OMIM 601894.
Spondylometaphyseal dysplasia - Sutcliffe type. Also called: Spondylometaphyseal Dysplasia, Corner Fracture Type; Sutcliffe type of spondylometaphyseal dysplasia; Sutcliffe SMD; Spondylometaphyseal dysplasia, 'corner fracture' type. Identifiers: Orphanet 93315, MedGen C0432221, MONDO:0008479, OMIM 184255.
FN1-related disorder. Also called: FN1-related condition.

Allele frequency attached by ClinVar (database versions not stated): ESP Exome Variant Server 0.00008; gnomAD 0.00017 and 0.00101; TOPMed 0.00042; gnomAD exomes 0.00158 and 0.00329; ExAC 0.00396; 1000 Genomes Project 30x 0.00609; 1000 Genomes Project 0.00679.

Submissions (4):

Labcorp Genetics (formerly Invitae), Labcorp
Classification: Benign. Last evaluated: 2026-01-12. Review status: criteria provided, single submitter. Criteria: Invitae Variant Classification Sherloc (09022015). Collection method: clinical testing. Allele origin: germline.

Fulgent Genetics
Classification: Likely benign for Spondylometaphyseal dysplasia - Sutcliffe type; Glomerulopathy with fibronectin deposits 2. Last evaluated: 2021-10-08. Review status: criteria provided, single submitter. Criteria: ACMG Guidelines, 2015. Collection method: clinical testing. Allele origin: unknown.

GeneDx
Classification: Likely benign. Last evaluated: 2020-12-23. Review status: criteria provided, single submitter. Criteria: GeneDx Variant Classification Process June 2021. Collection method: clinical testing. Allele origin: germline. Affected: yes.

PreventionGenetics, part of Exact Sciences
Classification: Benign for FN1-related condition. Last evaluated: 2023-12-04. Review status: no assertion criteria provided. Collection method: clinical testing. Allele origin: germline. Not counted in ClinVar's aggregate classification.
Comment: This variant is classified as benign based on ACMG/AMP sequence variant interpretation guidelines (Richards et al. 2015 PMID: 25741868, with internal and published modifications).